The following is an entry in ClinVar:

ClinVar aggregate classification (germline): Conflicting classifications of pathogenicity. Review status: criteria provided, conflicting classifications (1 of 4 stars). 36 submissions from 34 submitters: Pathogenic (14); Likely pathogenic (11); Likely benign (1). 10 of the submissions do not count toward it. Last evaluated 2026-08-01.

Conditions:
TNFRSF13B-related disorder. Also called: TNFRSF13B-related condition.
Common variable immunodeficiency (CVID). Also called: Common variable hypogamma-globulinemia; Common variable agammaglobulinemia. Identifiers: Orphanet 1572, MedGen C0009447, MONDO:0015517.
Immunodeficiency, common variable, 2 (CVID2). Also called: ANTIBODY DEFICIENCY DUE TO TACI DEFECT; HYPOGAMMAGLOBULINEMIA DUE TO TACI DEFICIENCY. Identifiers: Orphanet 1572, MedGen C3150354, MONDO:0009413, OMIM 240500.
Immunoglobulin A deficiency 2 (IGAD2). Identifiers: MedGen C1836032, MONDO:0012291, OMIM 609529.

Allele frequency attached by ClinVar (database versions not stated): 1000 Genomes Project 30x 0.00156; TOPMed 0.00338; gnomAD 0.00494 and 0.00518; 1000 Genomes Project 0.00160.
gnomAD v4.1: 8,694 of 1,614,040 alleles (0.54%); highest among the groups gnomAD compares: Non-Finnish European, 0.57%; 49 homozygotes.

Submissions 1 to 8 of 36:

CeGaT Center for Human Genetics Tuebingen
Classification: Likely pathogenic. Last evaluated: 2026-08-01. Review status: criteria provided, single submitter. Criteria: CeGaT Center For Human Genetics Tuebingen Variant Classification Criteria Version 2. Collection method: clinical testing. Allele origin: germline. Affected: yes. Observed: 48 variant alleles.
Comment: TNFRSF13B: PS3, PS4, PP1

PreventionGenetics, part of Exact Sciences
Classification: Pathogenic for TNFRSF13B-related condition. Last evaluated: 2026-06-11. Review status: criteria provided, single submitter. Criteria: ACMG Guidelines, 2015. Collection method: clinical testing. Allele origin: germline.
Comment: The TNFRSF13B c.542C>A variant is predicted to result in the amino acid substitution p.Ala181Glu. This variant has previously been reported to be causative for common variable immunodeficiency type 2 (CVID2). It has been identified in the heterozygous, homozygous, and compound heterozygous states in patients with CVID2, as well as in unaffected individuals, indicating variable expressivity and reduced penetrance (Castigli et al. 2005. PubMed ID: 16007086; Salzer et al. 2005. PubMed ID: 16007087; Martinez-Gallo et al. 2013. PubMed ID: 23237420). This variant is reported in 2.4% of alleles in individuals of European (Finnish) descent in gnomAD. In summary, this variant is interpreted as pathogenic.

Victorian Clinical Genetics Services, Murdoch Childrens Research Institute
Classification: Pathogenic for Immunodeficiency, common variable, 2. Last evaluated: 2026-04-07. Review status: criteria provided, single submitter. Criteria: ACMG Guidelines, 2015. Collection method: clinical testing. Allele origin: germline. Affected: yes.
Comment: This variant is classified as Risk allele. Evidence in support of pathogenic classification: This variant has strong previous evidence for being a risk allele in unrelated individuals. It is one of the most common variants in TNFRSF13B associated with common variable immunodeficiency, in both monoallelic and biallelic states (PMIDs: 20156508, 27123465, 34441032), and it is well reported as likely pathogenic/pathogenic in ClinVar. It has also been reported in asymptomatic individuals (PMIDs: 21419480, 32375967); This variant has moderate functional evidence supporting abnormal protein function. Functional studies using transfected cells showed this variant results in a loss of NFkB and NF-AT activation (PMID: 21419480). Additional information: Variant is predicted to result in a missense amino acid change from Ala to Glu; This variant is heterozygous; This gene is associated with both recessive and dominant disease (OMIM); Variant is present in gnomAD >=0.01 and <0.03 for a recessive condition (v4: 8596 heterozygote(s), 49 homozygote(s)); Alternative amino acid change(s) at the same position are present in gnomAD (Highest allele count: v4: 21 heterozygote(s), 0 homozygote(s)); Another missense variant comparable to the one identified in this case has inconclusive previous evidence for pathogenicity. The p.(Ala181Val) variant has been reported in three individuals with multiple myeloma or monoclonal gammopathy of undetermined significance (PMID: 33751038); Variant is located in the annotated transmembrane domain (PMID: 21419480); Missense variant with inconclusive in silico prediction and/or uninformative conservation; Loss of function is a known mechanism of disease in this gene and is associated with common variable immunodeficiency 2 (MIM#240500) and immunoglobulin A deficiency 2 (MIM#609529); The condition associated with this gene has incomplete penetrance. Asymptomatic individuals with monoallelic or biallelic variants have been reported (PMIDs: 34210994, 34441032); Variants in this gene are known to have variable expressivity (PMID: 34210994); Inheritance information for this variant is not currently available in this individual.

Labcorp Genetics (formerly Invitae), Labcorp
Classification: Likely pathogenic for Immunodeficiency, common variable, 2. Last evaluated: 2026-02-02. Review status: criteria provided, single submitter. Criteria: Invitae Variant Classification Sherloc (09022015). Collection method: clinical testing. Allele origin: germline.
Comment: This sequence change replaces alanine, which is neutral and non-polar, with glutamic acid, which is acidic and polar, at codon 181 of the TNFRSF13B protein (p.Ala181Glu). This variant is present in population databases (rs72553883, gnomAD 2.4%), and has an allele count higher than expected for a pathogenic variant. This missense change has been observed in individual(s) with common variable immunodeficiency (PMID: 16007086, 16007087, 20156508). It has also been observed to segregate with disease in related individuals. ClinVar contains an entry for this variant (Variation ID: 5303). Invitae Evidence Modeling of protein sequence and biophysical properties (such as structural, functional, and spatial information, amino acid conservation, physicochemical variation, residue mobility, and thermodynamic stability) has been performed for this missense variant. However, the output from this modeling did not meet the statistical confidence thresholds required to predict the impact of this variant on TNFRSF13B protein function. Experimental studies have shown that this missense change affects TNFRSF13B function (PMID: 19605846, 21419480, 23237420, 24051380). In summary, the currently available evidence indicates that the variant is pathogenic, but additional data are needed to prove that conclusively. Therefore, this variant has been classified as Likely Pathogenic.

Center for Genomic Medicine, Rigshospitalet, Copenhagen University Hospital
Classification: Likely pathogenic. Last evaluated: 2025-12-29. Review status: criteria provided, single submitter. Criteria: ACMG Guidelines, 2015. Collection method: clinical testing. Allele origin: germline.

3billion
Classification: Pathogenic for Immunodeficiency, common variable, 2. Last evaluated: 2025-12-23. Review status: criteria provided, single submitter. Criteria: ACMG Guidelines, 2015. Collection method: clinical testing. Allele origin: germline. Affected: yes.
Comment: The variant is observed in the gnomAD v4.1.0 dataset (total allele frequency: 0.539%). Predicted Consequence/Location: Missense variant. The majority of the known disease-causing variants of this gene are variants expected to result in premature termination of the protein. Functional studies provide supporting evidence of the variant having a damaging effect on the gene or gene product (PMID: 19605846). In silico tool predictions suggest damaging effect of the variant on gene or gene product [REVEL: 0.61 (>=0.6, sensitivity 0.68 and specificity 0.92); 3Cnet: 0.01 (> 0.75, sensitivity 0.96 and precision 0.92)]. The same nucleotide change resulting in the same amino acid change has been previously reported as pathogenic/likely pathogenic with strong evidence (ClinVar ID: VCV000005303 /PMID: 16007087 /3billion dataset). The variant has been observed in multiple (>3) similarly affected unrelated individuals (PMID: 17392797, 20156508, 22884984). Therefore, this variant is classified as Pathogenic according to the recommendation of ACMG/AMP guideline.

Greenwood Genetic Center Diagnostic Laboratories, Greenwood Genetic Center
Classification: Pathogenic for Immunodeficiency, common variable, 2. Last evaluated: 2025-12-19. Review status: criteria provided, single submitter. Criteria: ACMG Guidelines, 2015. Collection method: clinical testing. Allele origin: germline. Affected: yes.
Comment: PS3, PS4

GeneDx
Classification: Pathogenic. Last evaluated: 2025-10-14. Review status: criteria provided, single submitter. Criteria: GeneDx Variant Classification Process June 2021. Collection method: clinical testing. Allele origin: germline. Affected: yes.
Comment: Commonly occurring variant associated with CVID, observed in the heterozygous, homozygous, and compound heterozygous state, and seen in unaffected individuals indicating variable expressivity and reduced penetrance (PMID: 23237420, 19605846); Published functional studies demonstrates the A181E variant introduces a negative charge in the transmembrane domain, which disrupts signaling and impairs B-cell function (PMID: 19605846); In silico analysis supports that this missense variant has a deleterious effect on protein structure/function; This variant is associated with the following publications: (PMID: 21850030, 26096648, 19629655, 19779048, 22884984, 27609654, 27123465, 34975878, 30659808, 31530980, 30843876, 34922003, 21419480, 21547394, 19392801, 22076597, 16007087, 18981294, 24051380, 26100089, 17392797, 20156508, 27577878, 16007086, 32581362, 34426522, 30739909, 33046446, 35293001, 35686370, 35570134, 35874679, 35753512, 33726816, 34441032, 19605846, 23237420, 39563277, 39678379, 38282561)

NM_012452.3(TNFRSF13B):c.542C>A (p.Ala181Glu)

Gene: TNFRSF13B (TNF receptor superfamily member 13B; minus strand). Cytogenetic location: 17p11.2.
Variant type: single nucleotide variant.
Coding change: c.542C>A on transcript NM_012452.3 (MANE Select); coding-DNA position 542, C replaced by A.
Protein change: p.Ala181Glu; replaces alanine 181 with glutamic acid.
Molecular consequence: missense variant.
Genome position (GRCh38, 1-based): chr17:16,940,415, G>T on the plus strand (C>A on the coding strand, the complement: TNFRSF13B is on the minus strand). VCF-style: chr17-16940415-G-T. GRCh37 (hg19) VCF-style: chr17-16843729-G-T.
Other names: short protein forms A181E.
Identifiers: ClinVar variation 5303 (VCV000005303.98), dbSNP rs72553883, ClinGen allele CA117389.
Genomic context (GRCh38, chr17:16,940,415, plus strand): 5'-GGCCTTGAGCGGGGCTGGCAGGAGCAGGGATCCCCCCTCTTCTTGAGGAAGCAGGCCACC[G>T]CCACCAGGAAGCAGCAGAGGACGGCACACAGGCAGAGCCCCAGCGTGCTGTAGACCAGGG-3'
Protein context (NP_036584.1, residues 171-191): LCAVLCCFLV[Ala181Glu]VACFLKKRGD